The following is an entry in ClinVar:

ClinVar aggregate classification (germline): Uncertain significance (1 of 4 stars; one submission).

Conditions:
Familial thoracic aortic aneurysm and aortic dissection (TAAD). Also called: Thoracic aortic aneurysms and dissections. Identifiers: Orphanet 91387, MedGen C4707243, MONDO:0019625.

Submission:

Ambry Genetics
Classification: Uncertain significance for Familial thoracic aortic aneurysm and aortic dissection. Last evaluated: 2025-07-24. Review status: criteria provided, single submitter. Criteria: Ambry Variant Classification Scheme 2023. Collection method: clinical testing. Allele origin: germline.
Comment: The c.2627_2629dupGCT variant (also known as p.C876dup), located in coding exon 21 of the FBN1 gene, results from an in-frame duplication of GCT at nucleotide positions 2627 to 2629. This results in the duplication of an extra cysteine residue between codons 876 and 877. This amino acid position is highly conserved in available vertebrate species. In addition, this variant is predicted to be deleterious by in silico analysis (Choi Y et al. PLoS ONE. 2012; 7(10):e46688). Based on the available evidence, the clinical significance of this variant remains unclear.

NM_000138.5(FBN1):c.2624GCT[3] (p.Cys876_Ser877insCys)

Gene: FBN1 (fibrillin 1; minus strand). Cytogenetic location: 15q21.1.
Variant type: Microsatellite.
Coding change: c.2624GCT[3] on transcript NM_000138.5 (MANE Select); three copies in a row of the 3-base unit GCT starting at c.2624; the reference has two copies in a row; one copy, 3 bases duplicated.
Protein change: p.Cys876_Ser877insCys.
Molecular consequence: inframe indel (on NM_000138.4).
Genome position (GRCh38, 1-based): chr15:48,495,171-48,495,173, AGC duplicated on the plus strand (GCT on the coding strand, the reverse complement: FBN1 is on the minus strand); duplicating any 3 consecutive bases within chr15:48,495,171-48,495,177 gives the same sequence; the position shown is the placement nearest the transcript's 3' end. VCF-style (leftmost placement, unchanged base first): chr15-48495170-G-GAGC. GRCh37 (hg19) VCF-style: chr15-48787367-G-GAGC.
Other names: c.2623_2625TGC[3], p.Cys876_Ser877insCys (NM_000138.4); c.2624GCT[3], p.Cys876_Ser877insCys (NM_001406716.1); c.2627_2629dupGCT (NM_000138.4).
Identifiers: ClinVar variation 4255457 (VCV004255457.1).